The following is an entry in ClinVar:

ClinVar aggregate classification (germline): Uncertain significance (1 of 4 stars; one submission).

Submission:

Labcorp Genetics (formerly Invitae), Labcorp
Classification: Uncertain significance. Last evaluated: 2023-11-17. Review status: criteria provided, single submitter. Criteria: Invitae Variant Classification Sherloc (09022015). Collection method: clinical testing. Allele origin: germline.
Comment: This sequence change replaces proline, which is neutral and non-polar, with glycine, which is neutral and non-polar, at codon 100 of the MFAP5 protein (p.Pro100Gly). Information on the frequency of this variant in the gnomAD database is not available, as this variant may be reported differently in the database. This missense change has been observed in individual(s) with aortic aneurysm (Invitae). An algorithm developed to predict the effect of missense changes on protein structure and function (PolyPhen-2) suggests that this variant is likely to be disruptive. In summary, the available evidence is currently insufficient to determine the role of this variant in disease. Therefore, it has been classified as a Variant of Uncertain Significance.

NM_003480.4(MFAP5):c.298_299inv (p.Pro100Gly)

Gene: MFAP5 (microfibril associated protein 5; minus strand). Cytogenetic location: 12p13.31.
Variant type: Inversion.
Coding change: c.298_299inv on transcript NM_003480.4 (MANE Select).
Protein change: p.Pro100Gly; replaces proline 100 with glycine.
Molecular consequence: missense variant. On other transcripts: non-coding transcript variant (2), intron variant (1).
Genome position: GRCh38 VCF-style: chr12-8650538-GG-CC. GRCh37 (hg19) VCF-style: chr12-8803134-GG-CC.
Other names: c.268_269inv, p.Pro90Gly (NM_001297709.2); c.232_233inv, p.Pro78Gly (NM_001297710.2); c.223_224inv, p.Pro75Gly (NM_001297711.2); c.218-2336_218-2335inv (NM_001297712.2); short protein forms P78G, P75G, P90G, P100G.
Identifiers: ClinVar variation 2803934 (VCV002803934.3), ClinGen allele CA2739271844.